The following is an entry in ClinVar:

ClinVar aggregate classification (germline): Uncertain significance (1 of 4 stars; one submission).

Conditions:
Pityriasis rubra pilaris (PRP). Also called: Pityriasis rubra pilaris--familial type. Identifiers: Orphanet 2897, MedGen C0032027, MONDO:0100017, OMIM 173200, MONDO:0008251.
Psoriasis 2. Identifiers: MedGen C1864497, MONDO:0011269, OMIM 602723.

Allele frequency attached by ClinVar (database versions not stated): ExAC 0.00001; gnomAD exomes 0.00001; gnomAD 0.00002; TOPMed 0.00005; ESP Exome Variant Server 0.00008.
gnomAD v4.1: 12 of 1,612,350 alleles (0.00074%); highest among the groups gnomAD compares: Non-Finnish European, 0.001%; no homozygotes.

Submission:

Labcorp Genetics (formerly Invitae), Labcorp
Classification: Uncertain significance for Pityriasis rubra pilaris; Psoriasis 2. Last evaluated: 2025-07-20. Review status: criteria provided, single submitter. Criteria: Invitae Variant Classification Sherloc (09022015). Collection method: clinical testing. Allele origin: germline.
Comment: This sequence change replaces threonine, which is neutral and polar, with isoleucine, which is neutral and non-polar, at codon 734 of the CARD14 protein (p.Thr734Ile). This variant is present in population databases (rs371296759, gnomAD 0.002%). This variant has not been reported in the literature in individuals affected with CARD14-related conditions. ClinVar contains an entry for this variant (Variation ID: 1478938). Invitae Evidence Modeling of protein sequence and biophysical properties (such as structural, functional, and spatial information, amino acid conservation, physicochemical variation, residue mobility, and thermodynamic stability) indicates that this missense variant is not expected to disrupt CARD14 protein function with a negative predictive value of 95%. In summary, the available evidence is currently insufficient to determine the role of this variant in disease. Therefore, it has been classified as a Variant of Uncertain Significance.

NM_001366385.1(CARD14):c.2201C>T (p.Thr734Ile)

Genes: CARD14 (caspase recruitment domain family member 14; plus strand), SGSH (N-sulfoglucosamine sulfohydrolase; minus strand). Cytogenetic location: 17q25.3.
Variant type: single nucleotide variant.
Coding change: c.2201C>T on transcript NM_001366385.1 (MANE Select); coding-DNA position 2201, C replaced by T.
Protein change: p.Thr734Ile; replaces threonine 734 with isoleucine.
Molecular consequence: missense variant. On other transcripts: non-coding transcript variant (1).
Genome position (GRCh38, 1-based): chr17:80,202,402, C>T. VCF-style: chr17-80202402-C-T. GRCh37 (hg19) VCF-style: chr17-78176201-C-T.
Other names: c.2201C>T, p.Thr734Ile (NM_001257970.1, NM_024110.4); short protein forms T734I.
Identifiers: ClinVar variation 1478938 (VCV001478938.6), dbSNP rs371296759, ClinGen allele CA8817209.
Genomic context (GRCh38, chr17:80,202,402, plus strand): 5'-GCTGCTGGCATGCCCACCGCGTGAACTCTTACACCATGAAGGATACTGCCGCGCACGGCA[C>T]CATCCCCAACTACTCCAGGTGAGCAGCTGCCTCGAGCTCGGTGCGTCCCCAGAGAGGCCC-3'
Protein context (NP_001353314.1, residues 724-744): YTMKDTAAHG[Thr734Ile]IPNYSRAQQQ